The following is an entry in ClinVar:

NM_001242896.3(DEPDC5):c.3809C>T (p.Ala1270Val)

Gene: DEPDC5 (DEP domain containing 5, GATOR1 subcomplex subunit; plus strand). Cytogenetic location: 22q12.3.
Variant type: single nucleotide variant.
Coding change: c.3809C>T on transcript NM_001242896.3 (MANE Select); coding-DNA position 3809, C replaced by T.
Protein change: p.Ala1270Val; replaces alanine 1270 with valine.
Molecular consequence: missense variant. On other transcripts: non-coding transcript variant (5).
Genome position (GRCh38, 1-based): chr22:31,879,528, C>T. VCF-style: chr22-31879528-C-T. GRCh37 (hg19) VCF-style: chr22-32275514-C-T.
Other names: c.3782C>T, p.Ala1261Val (NM_001136029.4); c.3509C>T, p.Ala1170Val (NM_001242897.2); c.3743C>T, p.Ala1248Val (NM_001363852.2, NM_001364320.2); c.3575C>T, p.Ala1192Val (NM_001363854.2, NM_001364319.2); c.3809C>T, p.Ala1270Val (NM_001364318.2); c.3725C>T, p.Ala1242Val (NM_001369901.1, NM_001369902.1); c.3716C>T, p.Ala1239Val (NM_001369903.1, NM_014662.6); short protein forms A1242V, A1170V, A1192V, A1239V, A1261V, A1248V, A1270V.
Identifiers: ClinVar variation 2145339 (VCV002145339.4), dbSNP rs751832697, ClinGen allele CA10197121.

ClinVar aggregate classification (germline): Uncertain significance (1 of 4 stars; one submission).

Conditions:
Familial focal epilepsy with variable foci (FPEVF). Identifiers: Orphanet 98820, MedGen C1858477, MONDO:0020310.

Allele frequency attached by ClinVar (database versions not stated): TOPMed below 0.00001; ExAC 0.00001; gnomAD 0.00001; gnomAD exomes 0.00001.
gnomAD v4.1: 16 of 1,608,862 alleles (0.00099%); highest among the groups gnomAD compares: South Asian, 0.0022%; no homozygotes.

Submission:

Labcorp Genetics (formerly Invitae), Labcorp
Classification: Uncertain significance for Familial focal epilepsy with variable foci. Last evaluated: 2022-09-02. Review status: criteria provided, single submitter. Criteria: Invitae Variant Classification Sherloc (09022015). Collection method: clinical testing. Allele origin: germline.
Comment: Algorithms developed to predict the effect of missense changes on protein structure and function are either unavailable or do not agree on the potential impact of this missense change (SIFT: "Deleterious"; PolyPhen-2: "Not Available"; Align-GVGD: "Class C0"). This variant has not been reported in the literature in individuals affected with DEPDC5-related conditions. This variant is present in population databases (rs751832697, gnomAD 0.0009%). This sequence change replaces alanine, which is neutral and non-polar, with valine, which is neutral and non-polar, at codon 1270 of the DEPDC5 protein (p.Ala1270Val). In summary, the available evidence is currently insufficient to determine the role of this variant in disease. Therefore, it has been classified as a Variant of Uncertain Significance.